The following is an entry in ClinVar:

NM_014141.6(CNTNAP2):c.3086C>T (p.Ser1029Phe)

Gene: CNTNAP2 (contactin associated protein 2; plus strand). Cytogenetic location: 7q36.1.
Variant type: single nucleotide variant.
Coding change: c.3086C>T on transcript NM_014141.6 (MANE Select); coding-DNA position 3086, C replaced by T.
Protein change: p.Ser1029Phe; replaces serine 1029 with phenylalanine.
Molecular consequence: missense variant.
Genome position (GRCh38, 1-based): chr7:148,217,363, C>T. VCF-style: chr7-148217363-C-T. GRCh37 (hg19) VCF-style: chr7-147914455-C-T.
Other names: short protein forms S1029F.
Identifiers: ClinVar variation 1439220 (VCV001439220.8), dbSNP rs1795660784, ClinGen allele CA369929210.

ClinVar aggregate classification (germline): Uncertain significance (1 of 4 stars; one submission).

Conditions:
Cortical dysplasia-focal epilepsy syndrome (PTHSL1). Also called: Pitt-Hopkins-like syndrome 1. Identifiers: Orphanet 163681, Orphanet 221150, MedGen C2750246, MONDO:0012400, OMIM 610042.

Submission:

Labcorp Genetics (formerly Invitae), Labcorp
Classification: Uncertain significance for Cortical dysplasia-focal epilepsy syndrome. Last evaluated: 2023-05-25. Review status: criteria provided, single submitter. Criteria: Invitae Variant Classification Sherloc (09022015). Collection method: clinical testing. Allele origin: germline.
Comment: In summary, the available evidence is currently insufficient to determine the role of this variant in disease. Therefore, it has been classified as a Variant of Uncertain Significance. An algorithm developed to predict the effect of missense changes on protein structure and function (PolyPhen-2) suggests that this variant is likely to be tolerated. ClinVar contains an entry for this variant (Variation ID: 1439220). This variant has not been reported in the literature in individuals affected with CNTNAP2-related conditions. This variant is not present in population databases (gnomAD no frequency). This sequence change replaces serine, which is neutral and polar, with phenylalanine, which is neutral and non-polar, at codon 1029 of the CNTNAP2 protein (p.Ser1029Phe).